The following is an entry in ClinVar:

ClinVar aggregate classification (germline): Uncertain significance (1 of 4 stars; one submission).

Conditions:
Hereditary cancer-predisposing syndrome. Also called: Hereditary Cancer Syndrome; Tumor predisposition; Hereditary neoplastic syndrome; Neoplastic Syndromes, Hereditary. Identifiers: Orphanet 140162, MedGen C0027672, MeSH D009386, MONDO:0015356.

Submission:

Ambry Genetics
Classification: Uncertain significance for Hereditary cancer-predisposing syndrome. Last evaluated: 2024-10-13. Review status: criteria provided, single submitter. Criteria: Ambry Variant Classification Scheme 2023. Collection method: clinical testing. Allele origin: germline.
Comment: The p.S614Y variant (also known as c.1841C>A), located in coding exon 4 of the MSH6 gene, results from a C to A substitution at nucleotide position 1841. The serine at codon 614 is replaced by tyrosine, an amino acid with dissimilar properties. This amino acid position is conserved. In addition, the in silico prediction for this alteration is inconclusive. Based on the available evidence, the clinical significance of this variant remains unclear.

NM_000179.3(MSH6):c.1841C>A (p.Ser614Tyr)

Gene: MSH6 (mutS homolog 6; plus strand). Cytogenetic location: 2p16.3.
Variant type: single nucleotide variant.
Coding change: c.1841C>A on transcript NM_000179.3 (MANE Select); coding-DNA position 1841, C replaced by A.
Protein change: p.Ser614Tyr; replaces serine 614 with tyrosine.
Molecular consequence: missense variant. On other transcripts: non-coding transcript variant (4), intron variant (2).
Genome position (GRCh38, 1-based): chr2:47,799,824, C>A. VCF-style: chr2-47799824-C-A. GRCh37 (hg19) VCF-style: chr2-48026963-C-A.
Other names: c.1451C>A, p.Ser484Tyr (NM_001281492.2); c.935C>A, p.Ser312Tyr (NM_001281493.2, NM_001281494.2, NM_001406811.1 and 6 more transcripts); c.1937C>A, p.Ser646Tyr (NM_001406795.1, NM_001406802.1); c.1841C>A, p.Ser614Tyr (NM_001406796.1, NM_001406798.1, NM_001406800.1 and 3 more transcripts); c.1544C>A, p.Ser515Tyr (NM_001406797.1, NM_001406801.1, NM_001406805.1 and 10 more transcripts); c.1316C>A, p.Ser439Tyr (NM_001406799.1, NM_001406806.1, NM_001406807.1); c.1763C>A, p.Ser588Tyr (NM_001406804.1); c.1847C>A, p.Ser616Tyr (NM_001406813.1); and 3 more; short protein forms S515Y, S558Y, S588Y, S616Y, S646Y, S439Y, S484Y, S614Y.
Identifiers: ClinVar variation 3398943 (VCV003398943.1).